The following is an entry in ClinVar:

NM_182931.3(KMT2E):c.3838G>C (p.Asp1280His)

Gene: KMT2E (lysine methyltransferase 2E (inactive); plus strand). Cytogenetic location: 7q22.3.
Variant type: single nucleotide variant.
Coding change: c.3838G>C on transcript NM_182931.3 (MANE Select); coding-DNA position 3838, G replaced by C.
Protein change: p.Asp1280His; replaces aspartic acid 1280 with histidine.
Molecular consequence: missense variant.
Genome position (GRCh38, 1-based): chr7:105,110,362, G>C. VCF-style: chr7-105110362-G-C. GRCh37 (hg19) VCF-style: chr7-104750809-G-C.
Other names: c.3838G>C, p.Asp1280His (NM_001410908.1, NM_018682.4); short protein forms D1280H.
Identifiers: ClinVar variation 3034650 (VCV003034650.3), dbSNP rs2536517747, ClinGen allele CA368790760.

ClinVar aggregate classification (germline): Uncertain significance. Review status: criteria provided, single submitter (1 of 4 stars). 2 submissions from 2 submitters: Uncertain significance (1). 1 of the submissions does not count toward it. Last evaluated 2021-08-18.

Conditions:
KMT2E-related disorder. Also called: KMT2E-related condition.

Submissions (2):

Blueprint Genetics
Classification: Uncertain significance. Last evaluated: 2021-08-18. Review status: criteria provided, single submitter. Criteria: ACMG Guidelines, 2015. Collection method: clinical testing. Allele origin: germline.

PreventionGenetics, part of Exact Sciences
Classification: Uncertain significance for KMT2E-related condition. Last evaluated: 2023-11-29. Review status: no assertion criteria provided. Collection method: clinical testing. Allele origin: germline. Not counted in ClinVar's aggregate classification.
Comment: The KMT2E c.3838G>C variant is predicted to result in the amino acid substitution p.Asp1280His. To our knowledge, this variant has not been reported in the literature or in a large population database, indicating this variant is rare. At this time, the clinical significance of this variant is uncertain due to the absence of conclusive functional and genetic evidence.